The following is an entry in ClinVar:

NM_001035.3(RYR2):c.5170G>A (p.Glu1724Lys)

Gene: RYR2 (ryanodine receptor 2; plus strand). Cytogenetic location: 1q43.
Variant type: single nucleotide variant.
Coding change: c.5170G>A on transcript NM_001035.3 (MANE Select); coding-DNA position 5170, G replaced by A.
Protein change: p.Glu1724Lys; replaces glutamic acid 1724 with lysine.
Molecular consequence: missense variant.
Genome position (GRCh38, 1-based): chr1:237,614,298, G>A. VCF-style: chr1-237614298-G-A. GRCh37 (hg19) VCF-style: chr1-237777598-G-A.
Other names: p.E1724K:GAG>AAG; p.Glu1724Lys; c.5170G>A, p.Glu1724Lys (LRG_402t1); short protein forms E1724K.
Identifiers: ClinVar variation 201254 (VCV000201254.19), dbSNP rs794728740, ClinGen allele CA009802.

ClinVar aggregate classification (germline): Pathogenic/Likely pathogenic. Review status: criteria provided, multiple submitters, no conflicts (2 of 4 stars). 6 submissions from 6 submitters: Pathogenic (5); Likely pathogenic (1). Last evaluated 2025-08-16.

Conditions:
RYR2-related disorder. Also called: RYR2-related condition.
Cardiovascular phenotype. Identifiers: MedGen CN230736.
Long QT syndrome (LQTS). Identifiers: MedGen C0023976, MeSH D008133, MONDO:0002442. Disease mechanism: loss of function. Inheritance: Various modes of inheritance.
Catecholaminergic polymorphic ventricular tachycardia 1. Also called: VENTRICULAR TACHYCARDIA, CATECHOLAMINERGIC POLYMORPHIC, 1, WITH OR WITHOUT ATRIAL DYSFUNCTION AND/OR DILATED CARDIOMYOPATHY; VENTRICULAR TACHYCARDIA, STRESS-INDUCED POLYMORPHIC 1; RYR2-Related Catecholaminergic Polymorphic Ventricular Tachycardia. Identifiers: Orphanet 3286, MedGen C1631597, MONDO:0011484, OMIM 604772.

Submissions (6):

Labcorp Genetics (formerly Invitae), Labcorp
Classification: Pathogenic for Catecholaminergic polymorphic ventricular tachycardia 1. Last evaluated: 2025-08-16. Review status: criteria provided, single submitter. Criteria: Invitae Variant Classification Sherloc (09022015). Collection method: clinical testing. Allele origin: germline.
Comment: This sequence change replaces glutamic acid, which is acidic and polar, with lysine, which is basic and polar, at codon 1724 of the RYR2 protein (p.Glu1724Lys). This variant is not present in population databases (gnomAD no frequency). This missense change has been observed in individual(s) with autosomal dominant catecholaminergic polymorphic ventricular tachycardia (PMID: 16272262, 22787013, 26114861, 28237968, 29032884). In at least one individual the variant was observed to be de novo. ClinVar contains an entry for this variant (Variation ID: 201254). Invitae Evidence Modeling of protein sequence and biophysical properties (such as structural, functional, and spatial information, amino acid conservation, physicochemical variation, residue mobility, and thermodynamic stability) indicates that this missense variant is expected to disrupt RYR2 protein function with a positive predictive value of 80%. For these reasons, this variant has been classified as Pathogenic.

Mayo Clinic Laboratories, Mayo Clinic
Classification: Pathogenic. Last evaluated: 2025-04-18. Review status: criteria provided, single submitter. Criteria: ACMG Guidelines, 2015. Collection method: clinical testing. Allele origin: germline. Observed: 1 variant allele.
Comment: PP1, PP2, PP3_moderate, PM2_supporting, PM6, PS4

Dept of Medical Biology, Uskudar University
Classification: Pathogenic for Long QT syndrome. Last evaluated: 2024-01-08. Review status: criteria provided, single submitter. Criteria: Dept of Medical Biology Variant Classification. Collection method: research. Allele origin: de novo. Affected: yes. Observed: 1 variant allele.
Comment: Criteria: PS2_Strong, PM2, PP2, PP3

Blueprint Genetics
Classification: Pathogenic for RYR2-related disorders. Last evaluated: 2023-05-30. Review status: criteria provided, single submitter. Criteria: ACMG Guidelines, 2015. Collection method: clinical testing. Allele origin: germline. Affected: yes. Observed: 1 variant allele.

Ambry Genetics
Classification: Likely pathogenic for Cardiovascular phenotype. Last evaluated: 2021-03-29. Review status: criteria provided, single submitter. Criteria: Ambry Variant Classification Scheme 2023. Collection method: clinical testing. Allele origin: germline.
Comment: The p.E1724K variant (also known as c.5170G>A), located in coding exon 37 of the RYR2 gene, results from a G to A substitution at nucleotide position 5170. The glutamic acid at codon 1724 is replaced by lysine, an amino acid with similar properties. This variant has been detected in individuals with catecholaminergic polymorphic ventricular tachycardia (CPVT), and was reported to segregate with symptoms in an additional relative in two unrelated families, one with confirmed CPVT and one with a history of syncope (Postma AV et al. J. Med. Genet., 2005 Nov;42:863-70; van der Werf C et al. J. Am. Coll. Cardiol., 2011 May;57:2244-54; Ohno S et al. PLoS ONE, 2015 Jun;10:e0131517; Kawata H et al. Circ. J., 2016 Aug;80:1907-15). This variant was also reported to be de novo in one CPVT case; however, clinical details were limited (Broendberg AK et al. Heart, 2017 06;103:901-909). This variant was not reported in population-based cohorts in the Genome Aggregation Database (gnomAD). This amino acid position is highly conserved in available vertebrate species. In addition, this alteration is predicted to be deleterious by in silico analysis. Based on the majority of available evidence to date, this variant is likely to be pathogenic.

GeneDx
Classification: Pathogenic. Last evaluated: 2015-04-27. Review status: criteria provided, single submitter. Criteria: GeneDx Variant Classification (06012015). Collection method: clinical testing. Allele origin: germline. Affected: yes.
Comment: p.Glu1724Lys (E1724K) GAG>AAG: c.5170 G>A in exon 37 of the RYR2 gene (NM_001035.2). The Glu1724Lys mutation was absent from 400 control alleles from individuals of Northern European ancestry (Postma et al, 2005). In addition, the Glu1724Lys mutation was not detected in up to 600 alleles from control individuals of Caucasian and African American ancestry tested at GeneDx, indicating it is not a common benign variant in these populations. Glu1724Lys results in a non-conservative amino acid substitution of a negatively charged Glutamic acid with a positively charged Lysine. The closest pathogenic mutation reported in association with CPVT is Glu1837Lys (Medeiros-Domingo et al, 2009). However, other genetic and environmental factors influence disease expression and severity, and some mutation carriers may never become symptomatic. The variant is found in CPVT panel(s).

Literature cited by the submitters: PubMed 16272262 (cited by 3 submitters); PubMed 22787013 (cited by Labcorp Genetics (formerly Invitae), Labcorp and Mayo Clinic Laboratories, Mayo Clinic); PubMed 26114861 (cited by 3 submitters); PubMed 28237968 (cited by 3 submitters); PubMed 29032884 (cited by 3 submitters); PubMed 29434162 (cited by Mayo Clinic Laboratories, Mayo Clinic and Ambry Genetics); PubMed 31112425 (cited by Mayo Clinic Laboratories, Mayo Clinic and Ambry Genetics); PubMed 32152366 (cited by Mayo Clinic Laboratories, Mayo Clinic); PubMed 35135837 (cited by Mayo Clinic Laboratories, Mayo Clinic); PubMed 19926015 (cited by Ambry Genetics); PubMed 21616285 (cited by Ambry Genetics); PubMed 24025405 (cited by Ambry Genetics); PubMed 27452199 (cited by Ambry Genetics).